The following is an entry in ClinVar:

ClinVar aggregate classification (germline): Uncertain significance (1 of 4 stars; one submission).

gnomAD v4.1: 1 of 1,210,390 alleles (0.000083%); highest among the groups gnomAD compares: South Asian, 0.0018%; no homozygotes.

Submission:

GeneDx
Classification: Uncertain significance. Last evaluated: 2025-08-11. Review status: criteria provided, single submitter. Criteria: GeneDx Variant Classification Process June 2021. Collection method: clinical testing. Allele origin: germline. Affected: yes.
Comment: Not observed at significant frequency in large population cohorts (gnomAD); In silico analysis suggests that this missense variant does not alter protein structure/function; Has not been previously published as pathogenic or benign to our knowledge

NM_001099922.3(ALG13):c.1637C>A (p.Thr546Asn)

Gene: ALG13 (ALG13 UDP-N-acetylglucosaminyltransferase subunit; plus strand). Cytogenetic location: Xq23.
Variant type: single nucleotide variant.
Coding change: c.1637C>A on transcript NM_001099922.3 (MANE Select); coding-DNA position 1637, C replaced by A.
Protein change: p.Thr546Asn; replaces threonine 546 with asparagine.
Molecular consequence: missense variant. On other transcripts: non-coding transcript variant (1).
Genome position (GRCh38, 1-based): chrX:111,724,969, C>A. VCF-style: chrX-111724969-C-A. GRCh37 (hg19) VCF-style: chrX-110968197-C-A.
Other names: c.1325C>A, p.Thr442Asn (NM_001257230.2, NM_001257234.2, NM_001257237.2); c.1403C>A, p.Thr468Asn (NM_001257231.2); c.1637C>A, p.Thr546Asn (NM_001324292.2); c.1151C>A, p.Thr384Asn (NM_001324293.1); short protein forms T384N, T442N, T468N, T546N.
Identifiers: ClinVar variation 4795641 (VCV004795641.1).
Genomic context (GRCh38, chrX:111,724,969, plus strand): 5'-CATGGTGATACCTTTAACTTTTAAGGCATGTTGTTCCACTGGCTAACTTAAAACCAGTTA[C>A]CCAAGTGATGTCTGTTCCTGCCTGGAATGCTATGCCCAGTCGGAAAGGAAGAGGTTACCA-3'
Protein context (NP_001093392.1, residues 536-556): VVPLANLKPV[Thr546Asn]QVMSVPAWNA